The following is an entry in ClinVar:

NM_003801.4(GPAA1):c.1622+4T>G

Gene: GPAA1 (glycosylphosphatidylinositol anchor attachment 1; plus strand). Cytogenetic location: 8q24.3.
Variant type: single nucleotide variant.
Coding change: c.1622+4T>G on transcript NM_003801.4 (MANE Select); 4 bases into the intron after coding-DNA position 1622, T replaced by G.
Molecular consequence: intron variant.
Genome position (GRCh38, 1-based): chr8:144,085,747, T>G. VCF-style: chr8-144085747-T-G. GRCh37 (hg19) VCF-style: chr8-145140650-T-G.
Other names: c.1622+4T>G (NM_003801.3).
Identifiers: ClinVar variation 1507222 (VCV001507222.4), dbSNP rs541593890, ClinGen allele CA4933211.

ClinVar aggregate classification (germline): Uncertain significance. Review status: criteria provided, multiple submitters, no conflicts (2 of 4 stars). 2 submissions from 2 submitters: Uncertain significance (2). Last evaluated 2025-02-28.

Conditions:
GPAA1-related disorder. Also called: GPAA1-related condition.

Allele frequency attached by ClinVar (database versions not stated): ExAC 0.00001; gnomAD exomes 0.00002 and 0.00003; gnomAD 0.00003; TOPMed 0.00003; 1000 Genomes Project 0.00020; 1000 Genomes Project 30x 0.00031.

Submissions (2):

PreventionGenetics, part of Exact Sciences
Classification: Uncertain significance for GPAA1-related condition. Last evaluated: 2025-02-28. Review status: criteria provided, single submitter. Criteria: ACMG Guidelines, 2015. Collection method: clinical testing. Allele origin: germline.
Comment: The GPAA1 c.1622+4T>G variant is predicted to interfere with splicing. To our knowledge, this variant has not been reported in the literature. This variant is reported in 0.0044% of alleles in individuals of European (Non-Finnish) descent in gnomAD. At this time, the clinical significance of this variant is uncertain due to the absence of conclusive functional and genetic evidence.

Labcorp Genetics (formerly Invitae), Labcorp
Classification: Uncertain significance. Last evaluated: 2022-08-09. Review status: criteria provided, single submitter. Criteria: Invitae Variant Classification Sherloc (09022015). Collection method: clinical testing. Allele origin: germline.
Comment: This sequence change falls in intron 11 of the GPAA1 gene. It does not directly change the encoded amino acid sequence of the GPAA1 protein. It affects a nucleotide within the consensus splice site. This variant is present in population databases (rs541593890, gnomAD 0.004%). This variant has not been reported in the literature in individuals affected with GPAA1-related conditions. ClinVar contains an entry for this variant (Variation ID: 1507222). Variants that disrupt the consensus splice site are a relatively common cause of aberrant splicing (PMID: 17576681, 9536098). Algorithms developed to predict the effect of sequence changes on RNA splicing suggest that this variant may create or strengthen a splice site. In summary, the available evidence is currently insufficient to determine the role of this variant in disease. Therefore, it has been classified as a Variant of Uncertain Significance.

Literature cited by the submitters: PubMed 17576681 (cited by Labcorp Genetics (formerly Invitae), Labcorp); PubMed 9536098 (cited by Labcorp Genetics (formerly Invitae), Labcorp).